The following is an entry in ClinVar:

NM_001023.4(RPS20):c.350C>T (p.Ala117Val)

Gene: RPS20 (ribosomal protein S20; minus strand). Cytogenetic location: 8q12.1.
Variant type: single nucleotide variant.
Coding change: c.350C>T on transcript NM_001023.4 (MANE Select); coding-DNA position 350, C replaced by T.
Protein change: p.Ala117Val; replaces alanine 117 with valine.
Molecular consequence: missense variant. On other transcripts: intron variant (1).
Genome position (GRCh38, 1-based): chr8:56,073,100, G>A on the plus strand (C>T on the coding strand, the complement: RPS20 is on the minus strand). VCF-style: chr8-56073100-G-A. GRCh37 (hg19) VCF-style: chr8-56985659-G-A.
Other names: c.333+17C>T (NM_001146227.3); short protein forms A117V.
Identifiers: ClinVar variation 4863491 (VCV004863491.1).
Genomic context (GRCh38, chr8:56,073,100, plus strand): 5'-AAAACCAACAGAAGTTAACAACTGGTCATCAATTTATTAAAATAGTTGACTTAAGCATCT[G>A]CAATGGTGACTTCCACCTCAACTCCTGGCTCAATACTGATGGAAGTAATCTGCTTAACAA-3'
Protein context (NP_001014.1, residues 107-119): EPGVEVEVTI[Ala117Val]DA

ClinVar aggregate classification (germline): Uncertain significance (1 of 4 stars; one submission).

Submission:

Ambry Genetics
Classification: Uncertain significance. Last evaluated: 2026-05-02. Review status: criteria provided, single submitter. Criteria: Ambry Variant Classification Scheme 2023. Collection method: clinical testing. Allele origin: germline.
Comment: The p.A117V variant (also known as c.350C>T), located in coding exon 4 of the RPS20 gene, results from a C to T substitution at nucleotide position 350. The alanine at codon 117 is replaced by valine, an amino acid with similar properties. This amino acid position is conserved. In addition, the in silico prediction for this alteration is inconclusive. Based on the available evidence, the clinical significance of this variant remains unclear.